The following is an entry in ClinVar:

NM_003470.3(USP7):c.2517T>G (p.Phe839Leu)

Gene: USP7 (ubiquitin specific peptidase 7; minus strand). Cytogenetic location: 16p13.2.
Variant type: single nucleotide variant.
Coding change: c.2517T>G on transcript NM_003470.3 (MANE Select); coding-DNA position 2517, T replaced by G.
Protein change: p.Phe839Leu; replaces phenylalanine 839 with leucine.
Molecular consequence: missense variant. On other transcripts: non-coding transcript variant (1).
Genome position (GRCh38, 1-based): chr16:8,899,135, A>C on the plus strand (T>G on the coding strand, the complement: USP7 is on the minus strand). VCF-style: chr16-8899135-A-C. GRCh37 (hg19) VCF-style: chr16-8992992-A-C.
Other names: c.2469T>G, p.Phe823Leu (NM_001286457.2); c.2220T>G, p.Phe740Leu (NM_001286458.2); c.2343T>G, p.Phe781Leu (NM_001321858.2); short protein forms F740L, F781L, F823L, F839L.
Identifiers: ClinVar variation 3373522 (VCV003373522.1).

ClinVar aggregate classification (germline): Uncertain significance (1 of 4 stars; one submission).

Submission:

GeneDx
Classification: Uncertain significance. Last evaluated: 2024-03-04. Review status: criteria provided, single submitter. Criteria: GeneDx Variant Classification Process June 2021. Collection method: clinical testing. Allele origin: germline. Affected: yes.
Comment: Not observed at significant frequency in large population cohorts (gnomAD); In silico analysis supports that this missense variant has a deleterious effect on protein structure/function; Has not been previously published as pathogenic or benign to our knowledge